The following is an entry in ClinVar:

ClinVar aggregate classification (germline): Uncertain significance. Review status: criteria provided, single submitter (1 of 4 stars). 2 submissions from 2 submitters: Uncertain significance (1). 1 of the submissions does not count toward it. Last evaluated 2021-12-13.

Conditions:
Hypogonadotropic hypogonadism 3 with or without anosmia (HH3). Also called: HYPOGONADOTROPIC HYPOGONADISM 3 WITH ANOSMIA; PROKR2-Related GnRH Deficiency (Kallmann Syndrome 3). Identifiers: Orphanet 478, MedGen C3550478, MONDO:0009482, OMIM 244200.

Allele frequency attached by ClinVar (database versions not stated): ExAC 0.00002.
gnomAD v4.1: 43 of 1,614,082 alleles (0.0027%); highest among the groups gnomAD compares: Non-Finnish European, 0.0036%; no homozygotes.

Submissions (2):

Fulgent Genetics
Classification: Uncertain significance for Hypogonadotropic hypogonadism 3 with or without anosmia. Last evaluated: 2021-12-13. Review status: criteria provided, single submitter. Criteria: ACMG Guidelines, 2015. Collection method: clinical testing. Allele origin: unknown.

Department of Pathology and Laboratory Medicine, Sinai Health System
Classification: Uncertain significance. Review status: no assertion criteria provided. Collection method: clinical testing. Allele origin: unknown. Affected: yes. Study: The Canadian Open Genetics Repository (COGR). Not counted in ClinVar's aggregate classification.
Comment: The PROKR2 p.Met348Leu variant was not identified in the literature nor was it identified in ClinVar or LOVD 3.0. The variant was identified in dbSNP (ID: rs368145317) and in control databases in 7 of 282892 chromosomes at a frequency of 0.00002474 (Genome Aggregation Database March 6, 2019, v2.1.1). The variant was observed in the following populations: European (non-Finnish) in 6 of 129198 chromosomes (freq: 0.000046) and South Asian in 1 of 30616 chromosomes (freq: 0.000033), but was not observed in the African, Latino, Ashkenazi Jewish, East Asian, European (Finnish), or Other populations. The p.Met348 residue is not conserved in mammals and computational analyses (PolyPhen-2, SIFT, AlignGVGD, BLOSUM, MutationTaster) do not suggest a high likelihood of impact to the protein; however, this information is not predictive enough to rule out pathogenicity. The variant occurs outside of the splicing consensus sequence and in silico or computational prediction software programs (SpliceSiteFinder, MaxEntScan, NNSPLICE, GeneSplicer) do not predict a difference in splicing. In summary, based on the above information the clinical significance of this variant cannot be determined with certainty at this time. This variant is classified as a variant of uncertain significance.

NM_144773.4(PROKR2):c.1042A>C (p.Met348Leu)

Gene: PROKR2 (prokineticin receptor 2; minus strand). Cytogenetic location: 20p12.3.
Variant type: single nucleotide variant.
Coding change: c.1042A>C on transcript NM_144773.4 (MANE Select); coding-DNA position 1042, A replaced by C.
Protein change: p.Met348Leu; replaces methionine 348 with leucine.
Molecular consequence: missense variant.
Genome position (GRCh38, 1-based): chr20:5,302,153, T>G on the plus strand (A>C on the coding strand, the complement: PROKR2 is on the minus strand). VCF-style: chr20-5302153-T-G. GRCh37 (hg19) VCF-style: chr20-5282799-T-G.
Other names: short protein forms M348L.
Identifiers: ClinVar variation 1050416 (VCV001050416.2), dbSNP rs368145317, ClinGen allele CA9754217.